The following is an entry in ClinVar:

ClinVar aggregate classification (germline): Likely pathogenic (1 of 4 stars; one submission).

Conditions:
GNPTAB-mucolipidosis. Also called: UDP-N-acetylglucosamine-1-phosphotransferase subunit alpha/beta deficiency. Identifiers: MedGen CN322573, MONDO:0100122.

Submission:

Myriad Genetics, Inc.
Classification: Likely pathogenic for GNPTAB-mucolipidosis. Last evaluated: 2022-03-05. Review status: criteria provided, single submitter. Criteria: Myriad Autosomal Dominant, Autosomal Recessive and X-Linked Classification Criteria (2023). Collection method: clinical testing. Allele origin: unknown.
Comment: NM_024312.4(GNPTAB):c.599_600delAA(K200Rfs*3) is expected to be pathogenic in the context of GNPTAB-related disorders. This variant is predicted to lead to an abnormal or absent protein product due to the creation of a premature termination codon in GNPTAB, a gene where loss-of-function variants are known to be pathogenic. Please note: this variant was assessed in the context of healthy population screening.

NM_024312.5(GNPTAB):c.599_600del (p.Lys200fs)

Gene: GNPTAB (N-acetylglucosamine-1-phosphate transferase subunits alpha and beta; minus strand). Cytogenetic location: 12q23.2.
Variant type: Deletion.
Coding change: c.599_600del on transcript NM_024312.5 (MANE Select); coding-DNA positions 599 to 600, 2 bases deleted (AA; older notation c.599_600delAA).
Protein change: p.Lys200fs; shifts the reading frame from lysine 200.
Molecular consequence: frameshift variant.
Genome position (GRCh38, 1-based): chr12:101,780,593-101,780,594, TT deleted on the plus strand (AA on the coding strand, the reverse complement: GNPTAB is on the minus strand); deleting any 2 consecutive bases within chr12:101,780,593-101,780,595 gives the same sequence; the c. name uses the placement nearest the transcript's 3' end. VCF-style (leftmost placement, unchanged base first): chr12-101780592-CTT-C. GRCh37 (hg19) VCF-style: chr12-102174370-CTT-C.
Other names: short protein forms K200fs.
Identifiers: ClinVar variation 1725017 (VCV001725017.3), dbSNP rs2547967869, ClinGen allele CA2580085635.